The following is an entry in ClinVar:

NM_001134831.2(AHI1):c.760A>G (p.Ile254Val)

Gene: AHI1 (Abelson helper integration site 1; minus strand). Cytogenetic location: 6q23.3.
Variant type: single nucleotide variant.
Coding change: c.760A>G on transcript NM_001134831.2 (MANE Select); coding-DNA position 760, A replaced by G.
Protein change: p.Ile254Val; replaces isoleucine 254 with valine.
Molecular consequence: missense variant.
Genome position (GRCh38, 1-based): chr6:135,463,296, T>C on the plus strand (A>G on the coding strand, the complement: AHI1 is on the minus strand). VCF-style: chr6-135463296-T-C. GRCh37 (hg19) VCF-style: chr6-135784434-T-C.
Other names: c.760A>G, p.Ile254Val (NM_001134830.2, NM_001134832.2, NM_001350503.2 and 2 more transcripts); c.760A>G (NM_017651.4); short protein forms I254V.
Identifiers: ClinVar variation 2106013 (VCV002106013.5), dbSNP rs1428597060, ClinGen allele CA365749562.

ClinVar aggregate classification (germline): Uncertain significance. Review status: criteria provided, multiple submitters, no conflicts (2 of 4 stars). 2 submissions from 2 submitters: Uncertain significance (2). Last evaluated 2025-04-08.

Conditions:
Inborn genetic diseases. Identifiers: MedGen C0950123, MeSH D030342.
Joubert syndrome. Also called: CEREBELLOPARENCHYMAL DISORDER IV; JOUBERT-BOLTSHAUSER SYNDROME; Familial aplasia of the vermis. Identifiers: Orphanet 475, MedGen C5979921, MONDO:0018772.

Allele frequency attached by ClinVar (database versions not stated): gnomAD exomes below 0.00001.
gnomAD v4.1: 2 of 1,605,762 alleles (0.00012%); highest among the groups gnomAD compares: South Asian, 0.0022%; no homozygotes.

Submissions (2):

Ambry Genetics
Classification: Uncertain significance for Inborn genetic diseases. Last evaluated: 2025-04-08. Review status: criteria provided, single submitter. Criteria: Ambry Variant Classification Scheme 2023. Collection method: clinical testing. Allele origin: germline.

Labcorp Genetics (formerly Invitae), Labcorp
Classification: Uncertain significance for Joubert syndrome. Last evaluated: 2022-03-04. Review status: criteria provided, single submitter. Criteria: Invitae Variant Classification Sherloc (09022015). Collection method: clinical testing. Allele origin: germline.
Comment: This sequence change replaces isoleucine, which is neutral and non-polar, with valine, which is neutral and non-polar, at codon 254 of the AHI1 protein (p.Ile254Val). In summary, the available evidence is currently insufficient to determine the role of this variant in disease. Therefore, it has been classified as a Variant of Uncertain Significance. Advanced modeling of protein sequence and biophysical properties (such as structural, functional, and spatial information, amino acid conservation, physicochemical variation, residue mobility, and thermodynamic stability) performed at Invitae indicates that this missense variant is not expected to disrupt AHI1 protein function. This variant has not been reported in the literature in individuals affected with AHI1-related conditions. The frequency data for this variant in the population databases is considered unreliable, as metrics indicate poor data quality at this position in the gnomAD database.